The following is an entry in ClinVar:

NM_001378454.1(ALMS1):c.12363-2A>C

Gene: ALMS1 (ALMS1 centrosome and basal body associated protein; plus strand). Cytogenetic location: 2p13.1.
Variant type: single nucleotide variant.
Coding change: c.12363-2A>C on transcript NM_001378454.1 (MANE Select); the canonical splice acceptor site of the intron before coding-DNA position 12363, A replaced by C.
Molecular consequence: splice acceptor variant.
Genome position (GRCh38, 1-based): chr2:73,608,473, A>C. VCF-style: chr2-73608473-A-C. GRCh37 (hg19) VCF-style: chr2-73835600-A-C.
Other names: c.12363-2A>C (NM_015120.4).
Identifiers: ClinVar variation 1514240 (VCV001514240.6), dbSNP rs2104216032, ClinGen allele CA347274356.
Genomic context (GRCh38, chr2:73,608,473, plus strand): 5'-TCATGACTCTGCACCCTGGTAACCTCCCCGATTTCTGTCCTTTCACTGGTGCCATTTCTA[A>C]GGATTTATGAGCAGCTTCCAGAAGTACAGAAAAAGAGAGAAGAAGAGAAGAGAAAATCAG-3'

ClinVar aggregate classification (germline): Likely pathogenic (1 of 4 stars; one submission).

Conditions:
Alstrom syndrome (ALMS). Identifiers: Orphanet 64, MedGen C0268425, MONDO:0008763, OMIM 203800.

Submission:

Labcorp Genetics (formerly Invitae), Labcorp
Classification: Likely pathogenic for Alstrom syndrome. Last evaluated: 2021-10-21. Review status: criteria provided, single submitter. Criteria: Invitae Variant Classification Sherloc (09022015). Collection method: clinical testing. Allele origin: germline.
Comment: In summary, the currently available evidence indicates that the variant is pathogenic, but additional data are needed to prove that conclusively. Therefore, this variant has been classified as Likely Pathogenic. This variant has not been reported in the literature in individuals affected with ALMS1-related conditions. This variant is not present in population databases (ExAC no frequency). This sequence change affects an acceptor splice site in intron 21 of the ALMS1 gene. It is expected to disrupt RNA splicing. Variants that disrupt the donor or acceptor splice site typically lead to a loss of protein function (PMID: 16199547), and loss-of-function variants in ALMS1 are known to be pathogenic (PMID: 17594715).

Literature cited by the submitters: PubMed 16199547; PubMed 17594715.